The following is an entry in ClinVar:

ClinVar aggregate classification (germline): Benign. Review status: criteria provided, multiple submitters, no conflicts (2 of 4 stars). 13 submissions from 13 submitters: Benign (11). 2 of the submissions do not count toward it. Last evaluated 2026-02-04.

Conditions:
Early-infantile DEE. Also called: Early infantile epileptic encephalopathy with suppression bursts; Early infantile epileptic encephalopathy; Ohtahara syndrome. Identifiers: Orphanet 1934, MedGen C0393706, MONDO:0800491.
Inborn genetic diseases. Identifiers: MedGen C0950123, MeSH D030342.
Developmental and epileptic encephalopathy, 5 (DEE5). Identifiers: Orphanet 3451, MedGen C3150731, MONDO:0013277, OMIM 613477.

Allele frequency attached by ClinVar (database versions not stated): 1000 Genomes Project 30x 0.64132; 1000 Genomes Project 0.64277; TOPMed 0.73498; gnomAD 0.74813 and 0.74835; ESP Exome Variant Server 0.76042; gnomAD exomes 0.80356 and 0.86389; ExAC 0.80638.
gnomAD v4.1: 1,372,909 of 1,611,482 alleles (85%); highest among the groups gnomAD compares: Non-Finnish European, 90%; 595,480 homozygotes.

Submissions (13):

Labcorp Genetics (formerly Invitae), Labcorp
Classification: Benign for Early-infantile DEE. Last evaluated: 2026-02-04. Review status: criteria provided, single submitter. Criteria: Invitae Variant Classification Sherloc (09022015). Collection method: clinical testing. Allele origin: germline.

Blueprint Genetics
Classification: Benign. Last evaluated: 2024-11-27. Review status: criteria provided, single submitter. Criteria: ACMG Guidelines, 2015. Collection method: clinical testing. Allele origin: germline.

Unidad de Genómica Garrahan, Hospital de Pediatría Garrahan
Classification: Benign. Last evaluated: 2024-07-15. Review status: criteria provided, single submitter. Criteria: ACMG Guidelines, 2015. Collection method: clinical testing. Allele origin: germline. Affected: no. Observed: 91 variant alleles.
Comment: This variant is classified as Benign based on local population frequency. This variant was detected in 98% of patients studied in a panel designed for Epileptic and Developmental Encephalopathy and Progressive Myoclonus Epilepsy. Number of patients: 91. Only high quality variants are reported.

Mayo Clinic Laboratories, Mayo Clinic
Classification: Benign. Last evaluated: 2022-03-24. Review status: criteria provided, single submitter. Criteria: ACMG Guidelines, 2015. Collection method: clinical testing. Allele origin: germline. Observed: 1,599 variant alleles.

Genome-Nilou Lab
Classification: Benign for Developmental and epileptic encephalopathy, 5. Last evaluated: 2021-07-15. Review status: criteria provided, single submitter. Criteria: ACMG Guidelines, 2015. Collection method: clinical testing. Allele origin: germline. Affected: no.

Athena Diagnostics
Classification: Benign. Last evaluated: 2018-05-06. Review status: criteria provided, single submitter. Criteria: Athena Diagnostics Criteria. Collection method: clinical testing. Allele origin: germline.

Ambry Genetics
Classification: Benign for Inborn genetic diseases. Last evaluated: 2015-12-31. Review status: criteria provided, single submitter. Criteria: Ambry Variant Classification Scheme 2023. Collection method: clinical testing. Allele origin: germline.

GeneDx
Classification: Benign. Last evaluated: 2015-03-03. Review status: criteria provided, single submitter. Criteria: GeneDx Variant Classification Process June 2021. Collection method: clinical testing. Allele origin: germline. Affected: yes.

Genetic Services Laboratory, University of Chicago
Classification: Benign. Last evaluated: 2013-02-08. Review status: criteria provided, single submitter. Criteria: ACMG Guidelines, 2007. Collection method: clinical testing. Allele origin: germline. Inheritance: Autosomal dominant inheritance.

Breakthrough Genomics
Classification: Benign. Review status: criteria provided, single submitter. Criteria: ACMG Guidelines, 2015. Collection method: not provided. Allele origin: germline. Inheritance: Autosomal dominant inheritance. Affected: yes.

PreventionGenetics, part of Exact Sciences
Classification: Benign. Review status: criteria provided, single submitter. Criteria: ACMG Guidelines, 2015. Collection method: clinical testing. Allele origin: germline.

Diagnostic Laboratory, Department of Genetics, University Medical Center Groningen
Classification: Benign. Review status: no assertion criteria provided. Collection method: clinical testing. Allele origin: germline. Affected: yes. Study: VKGL Data-share Consensus. Not counted in ClinVar's aggregate classification.

Joint Genome Diagnostic Labs from Nijmegen and Maastricht, Radboudumc and MUMC+
Classification: Benign. Review status: no assertion criteria provided. Collection method: clinical testing. Allele origin: germline. Affected: yes. Study: VKGL Data-share Consensus. Not counted in ClinVar's aggregate classification.

NM_001130438.3(SPTAN1):c.3486C>T (p.Leu1162=)

Gene: SPTAN1 (spectrin alpha, non-erythrocytic 1; plus strand). Cytogenetic location: 9q34.11.
Variant type: single nucleotide variant.
Coding change: c.3486C>T on transcript NM_001130438.3 (MANE Select); coding-DNA position 3486, C replaced by T.
Protein change: p.Leu1162=; no amino-acid change (leucine 1162 retained).
Molecular consequence: synonymous variant.
Genome position (GRCh38, 1-based): chr9:128,598,471, C>T. VCF-style: chr9-128598471-C-T. GRCh37 (hg19) VCF-style: chr9-131360750-C-T.
Other names: p.Leu1162=; c.3426C>T, p.Leu1142= (NM_001195532.2, NM_001363765.2); c.3486C>T, p.Leu1162= (NM_001363759.2, NM_003127.4).
Identifiers: ClinVar variation 160009 (VCV000160009.34), dbSNP rs2227864, ClinGen allele CA173563.